The following is an entry in ClinVar:

NM_006493.4(CLN5):c.176G>A (p.Arg59His)

Gene: CLN5 (CLN5 lysosomal BMP synthase; plus strand). Cytogenetic location: 13q22.3.
Variant type: single nucleotide variant.
Coding change: c.176G>A on transcript NM_006493.4 (MANE Select); coding-DNA position 176, G replaced by A.
Protein change: p.Arg59His; replaces arginine 59 with histidine.
Molecular consequence: missense variant.
Genome position (GRCh38, 1-based): chr13:76,995,065, G>A. VCF-style: chr13-76995065-G-A. GRCh37 (hg19) VCF-style: chr13-77569200-G-A.
Other names: c.323G>A (LRG_692t1); c.176G>A, p.Arg59His (NM_001366624.2); short protein forms R59H.
Identifiers: ClinVar variation 643941 (VCV000643941.6), dbSNP rs753197537, ClinGen allele CA7007161.

ClinVar aggregate classification (germline): Uncertain significance. Review status: criteria provided, multiple submitters, no conflicts (2 of 4 stars). 3 submissions from 3 submitters: Uncertain significance (2). 1 of the submissions does not count toward it. Last evaluated 2022-10-12.

Conditions:
Neuronal ceroid lipofuscinosis. Also called: Neuronal Ceroid Lipofuscinoses. Identifiers: Orphanet 216, Orphanet 79263, MedGen C0027877, MONDO:0016295. Disease mechanism: loss of function.
Neuronal ceroid lipofuscinosis 5 (CLN5). Also called: CEROID LIPOFUSCINOSIS, NEURONAL, 5, VARIABLE AGE AT ONSET; Neuronal ceroid lipofuscinosis Finnish variant; NEURONAL CEROID LIPOFUSCINOSIS, LATE INFANTILE, FINNISH VARIANT; CLN5-Related Neuronal Ceroid-Lipofuscinosis. Identifiers: Orphanet 168491, Orphanet 228360, MedGen C1850442, MONDO:0009745, OMIM 256731.
Inborn genetic diseases. Identifiers: MedGen C0950123, MeSH D030342.

Allele frequency attached by ClinVar (database versions not stated): ExAC 0.00002; gnomAD 0.00002 and 0.00003; TOPMed 0.00002.
gnomAD v4.1: 39 of 1,613,254 alleles (0.0024%); highest among the groups gnomAD compares: Admixed American, 0.02%; no homozygotes.

Submissions (3):

Labcorp Genetics (formerly Invitae), Labcorp
Classification: Uncertain significance for Neuronal ceroid lipofuscinosis. Last evaluated: 2022-10-12. Review status: criteria provided, single submitter. Criteria: Invitae Variant Classification Sherloc (09022015). Collection method: clinical testing. Allele origin: germline.
Comment: This sequence change replaces arginine, which is basic and polar, with histidine, which is basic and polar, at codon 108 of the CLN5 protein (p.Arg108His). This variant is present in population databases (rs753197537, gnomAD 0.02%). This variant has not been reported in the literature in individuals affected with CLN5-related conditions. ClinVar contains an entry for this variant (Variation ID: 643941). Algorithms developed to predict the effect of missense changes on protein structure and function (SIFT, PolyPhen-2, Align-GVGD) all suggest that this variant is likely to be disruptive. In summary, the available evidence is currently insufficient to determine the role of this variant in disease. Therefore, it has been classified as a Variant of Uncertain Significance.

Ambry Genetics
Classification: Uncertain significance for Inborn genetic diseases. Last evaluated: 2022-06-30. Review status: criteria provided, single submitter. Criteria: Ambry Variant Classification Scheme 2023. Collection method: clinical testing. Allele origin: germline.

Natera, Inc.
Classification: Uncertain significance for Neuronal ceroid lipofuscinosis 5. Last evaluated: 2020-09-16. Review status: no assertion criteria provided. Collection method: clinical testing. Allele origin: germline. Not counted in ClinVar's aggregate classification.